The following is an entry in ClinVar:

ClinVar aggregate classification (germline): Likely benign (1 of 4 stars; one submission).

Allele frequency attached by ClinVar (database versions not stated): gnomAD 0.00002; ExAC 0.00012.
gnomAD v4.1: 17 of 1,613,772 alleles (0.0011%); highest among the groups gnomAD compares: East Asian, 0.036%; no homozygotes.

Submission:

CeGaT Center for Human Genetics Tuebingen
Classification: Likely benign. Last evaluated: 2022-05-01. Review status: criteria provided, single submitter. Criteria: CeGaT Center For Human Genetics Tuebingen Variant Classification Criteria Version 2. Collection method: clinical testing. Allele origin: germline. Affected: yes. Observed: 1 variant allele.
Comment: UNC13C: BP4, BP7

NM_001080534.3(UNC13C):c.3099C>T (p.Asp1033=)

Gene: UNC13C (unc-13 homolog C; plus strand). Cytogenetic location: 15q21.3.
Variant type: single nucleotide variant.
Coding change: c.3099C>T on transcript NM_001080534.3 (MANE Select); coding-DNA position 3099, C replaced by T.
Protein change: p.Asp1033=; no amino-acid change (aspartic acid 1033 retained).
Molecular consequence: synonymous variant.
Genome position (GRCh38, 1-based): chr15:54,235,057, C>T. VCF-style: chr15-54235057-C-T. GRCh37 (hg19) VCF-style: chr15-54527255-C-T.
Other names: c.3099C>T, p.Asp1033= (NM_001329919.2).
Identifiers: ClinVar variation 2645362 (VCV002645362.24), dbSNP rs769614477, ClinGen allele CA7572210.